The following is an entry in ClinVar:

NM_004522.3(KIF5C):c.2558G>A (p.Arg853Gln)

Gene: KIF5C (kinesin family member 5C; plus strand). Cytogenetic location: 2q23.2.
Variant type: single nucleotide variant.
Coding change: c.2558G>A on transcript NM_004522.3 (MANE Select); coding-DNA position 2558, G replaced by A.
Protein change: p.Arg853Gln; replaces arginine 853 with glutamine.
Molecular consequence: missense variant. On other transcripts: non-coding transcript variant (1).
Genome position (GRCh38, 1-based): chr2:149,010,142, G>A. VCF-style: chr2-149010142-G-A. GRCh37 (hg19) VCF-style: chr2-149866656-G-A.
Other names: short protein forms R853Q.
Identifiers: ClinVar variation 3764348 (VCV003764348.2).

ClinVar aggregate classification (germline): Uncertain significance (1 of 4 stars; one submission).

Conditions:
KIF5C-related disorder. Also called: KIF5C-related condition.

gnomAD v4.1: 15 of 1,549,218 alleles (0.00097%); highest among the groups gnomAD compares: Non-Finnish European, 0.0013%; no homozygotes.

Submission:

GeneDx
Classification: Uncertain significance. Last evaluated: 2024-08-16. Review status: criteria provided, single submitter. Criteria: GeneDx Variant Classification Process June 2021. Collection method: clinical testing. Allele origin: germline. Affected: yes.
Comment: In silico analysis supports that this missense variant has a deleterious effect on protein structure/function; Has not been previously published as pathogenic or benign to our knowledge